The following is an entry in ClinVar:

NM_000257.4(MYH7):c.2144A>C (p.Tyr715Ser)

Gene: MYH7 (myosin heavy chain 7; minus strand). Cytogenetic location: 14q11.2.
Variant type: single nucleotide variant.
Coding change: c.2144A>C on transcript NM_000257.4 (MANE Select); coding-DNA position 2144, A replaced by C.
Protein change: p.Tyr715Ser; replaces tyrosine 715 with serine.
Molecular consequence: missense variant.
Genome position (GRCh38, 1-based): chr14:23,425,982, T>G on the plus strand (A>C on the coding strand, the complement: MYH7 is on the minus strand). VCF-style: chr14-23425982-T-G. GRCh37 (hg19) VCF-style: chr14-23895191-T-G.
Other names: c.2144A>C, p.Tyr715Ser (NM_001407004.1); short protein forms Y715S.
Identifiers: ClinVar variation 3636035 (VCV003636035.2).

ClinVar aggregate classification (germline): Uncertain significance (1 of 4 stars; one submission).

Conditions:
Hypertrophic cardiomyopathy. Also called: HYPERTROPHIC MYOCARDIOPATHY. Identifiers: Orphanet 217569, MedGen C0007194, MeSH D002312, MONDO:0005045, HP:0001639.

Submission:

Labcorp Genetics (formerly Invitae), Labcorp
Classification: Uncertain significance for Hypertrophic cardiomyopathy. Last evaluated: 2026-01-21. Review status: criteria provided, single submitter. Criteria: Invitae Variant Classification Sherloc (09022015). Collection method: clinical testing. Allele origin: germline.
Comment: This sequence change replaces tyrosine, which is neutral and polar, with serine, which is neutral and polar, at codon 715 of the MYH7 protein (p.Tyr715Ser). This variant is not present in population databases (gnomAD no frequency). This variant has not been reported in the literature in individuals affected with MYH7-related conditions. ClinVar contains an entry for this variant (Variation ID: 3636035). Invitae Evidence Modeling of protein sequence and biophysical properties (such as structural, functional, and spatial information, amino acid conservation, physicochemical variation, residue mobility, and thermodynamic stability) indicates that this missense variant is expected to disrupt MYH7 protein function with a positive predictive value of 95%. In summary, the available evidence is currently insufficient to determine the role of this variant in disease. Therefore, it has been classified as a Variant of Uncertain Significance.